The following is an entry in ClinVar:

ClinVar aggregate classification (germline): Likely benign. Review status: criteria provided, single submitter (1 of 4 stars). 2 submissions from 2 submitters: Likely benign (1). 1 of the submissions does not count toward it. Last evaluated 2025-10-01.

Conditions:
TIAM1-related disorder. Also called: TIAM1-related condition.

Allele frequency attached by ClinVar (database versions not stated): 1000 Genomes Project 0.00020; 1000 Genomes Project 30x 0.00031.
gnomAD v4.1: 66 of 1,614,150 alleles (0.0041%); highest among the groups gnomAD compares: Non-Finnish European, 0.0055%; no homozygotes.

Submissions (2):

CeGaT Center for Human Genetics Tuebingen
Classification: Likely benign. Last evaluated: 2025-10-01. Review status: criteria provided, single submitter. Criteria: CeGaT Center For Human Genetics Tuebingen Variant Classification Criteria Version 2. Collection method: clinical testing. Allele origin: germline. Affected: yes. Observed: 1 variant allele.
Comment: TIAM1: BP4, BP7

PreventionGenetics, part of Exact Sciences
Classification: Likely benign for TIAM1-related condition. Last evaluated: 2019-07-19. Review status: no assertion criteria provided. Collection method: clinical testing. Allele origin: germline. Not counted in ClinVar's aggregate classification.
Comment: This variant is classified as likely benign based on ACMG/AMP sequence variant interpretation guidelines (Richards et al. 2015 PMID: 25741868, with internal and published modifications).

NM_001353694.2(TIAM1):c.3843G>T (p.Ser1281=)

Gene: TIAM1 (TIAM Rac1 associated GEF 1; minus strand). Cytogenetic location: 21q22.11.
Variant type: single nucleotide variant.
Coding change: c.3843G>T on transcript NM_001353694.2 (MANE Select); coding-DNA position 3843, G replaced by T.
Protein change: p.Ser1281=; no amino-acid change (serine 1281 retained).
Molecular consequence: synonymous variant.
Genome position (GRCh38, 1-based): chr21:31,135,973, C>A on the plus strand (G>T on the coding strand, the complement: TIAM1 is on the minus strand). VCF-style: chr21-31135973-C-A. GRCh37 (hg19) VCF-style: chr21-32508291-C-A.
Other names: c.942G>T, p.Ser314= (NM_001353684.2); c.867G>T, p.Ser289= (NM_001353685.2); c.3768G>T, p.Ser1256= (NM_001353686.2, NM_001353687.2); c.3843G>T, p.Ser1281= (NM_001353688.1, NM_001353689.1, NM_001353690.1 and 4 more transcripts).
Identifiers: ClinVar variation 3049787 (VCV003049787.8), dbSNP rs143123730, ClinGen allele CA9997699.
Genomic context (GRCh38, chr21:31,135,973, plus strand): 5'-AACGCTTTTCTGATACACACCGAATGCTGCCAACTCTGGTTCCTTTTTCCACTTGCCCAG[C>A]GAGGCCGGCGGGTTCAGCCAGATCACGGTAGTGTGCAAAAGCAGGTCTCCCATGCTCAGA-3'
Protein context (NP_001340623.1, residues 1271-1291): TTVIWLNPPA[Ser1281=]LGKWKKEPEL